The following is an entry in ClinVar:

NM_006214.4(PHYH):c.772T>G (p.Phe258Val)

Gene: PHYH (phytanoyl-CoA 2-hydroxylase; minus strand). Cytogenetic location: 10p13.
Variant type: single nucleotide variant.
Coding change: c.772T>G on transcript NM_006214.4 (MANE Select); coding-DNA position 772, T replaced by G.
Protein change: p.Phe258Val; replaces phenylalanine 258 with valine.
Molecular consequence: missense variant.
Genome position (GRCh38, 1-based): chr10:13,283,746, A>C on the plus strand (T>G on the coding strand, the complement: PHYH is on the minus strand). VCF-style: chr10-13283746-A-C. GRCh37 (hg19) VCF-style: chr10-13325746-A-C.
Other names: c.472T>G, p.Phe158Val (NM_001037537.2, NM_001323080.2); c.778T>G, p.Phe260Val (NM_001323082.2); c.508T>G, p.Phe170Val (NM_001323083.2); c.478T>G, p.Phe160Val (NM_001323084.2); short protein forms F158V, F160V, F170V, F258V, F260V.
Identifiers: ClinVar variation 1025445 (VCV001025445.8), dbSNP rs1835474540, ClinGen allele CA376034160.

ClinVar aggregate classification (germline): Uncertain significance (1 of 4 stars; one submission).

Submission:

Labcorp Genetics (formerly Invitae), Labcorp
Classification: Uncertain significance. Last evaluated: 2021-06-17. Review status: criteria provided, single submitter. Criteria: Invitae Variant Classification Sherloc (09022015). Collection method: clinical testing. Allele origin: germline.
Comment: This variant has not been reported in the literature in individuals with PHYH-related conditions. Algorithms developed to predict the effect of missense changes on protein structure and function (SIFT, PolyPhen-2, Align-GVGD) all suggest that this variant is likely to be disruptive, but these predictions have not been confirmed by published functional studies and their clinical significance is uncertain. In summary, the available evidence is currently insufficient to determine the role of this variant in disease. Therefore, it has been classified as a Variant of Uncertain Significance. This variant is not present in population databases (ExAC no frequency). This sequence change replaces phenylalanine with valine at codon 258 of the PHYH protein (p.Phe258Val). The phenylalanine residue is highly conserved and there is a small physicochemical difference between phenylalanine and valine.